The following is an entry in ClinVar:

NM_001110556.2(FLNA):c.2403G>C (p.Gln801His)

Gene: FLNA (filamin A; minus strand). Cytogenetic location: Xq28.
Variant type: single nucleotide variant.
Coding change: c.2403G>C on transcript NM_001110556.2 (MANE Select); coding-DNA position 2403, G replaced by C.
Protein change: p.Gln801His; replaces glutamine 801 with histidine.
Molecular consequence: missense variant.
Genome position (GRCh38, 1-based): chrX:154,362,662, C>G on the plus strand (G>C on the coding strand, the complement: FLNA is on the minus strand). VCF-style: chrX-154362662-C-G. GRCh37 (hg19) VCF-style: chrX-153591030-C-G.
Other names: c.2403G>C, p.Gln801His (NM_001456.4); short protein forms Q801H.
Identifiers: ClinVar variation 2412870 (VCV002412870.3), dbSNP rs2148114602, ClinGen allele CA415237113.

ClinVar aggregate classification (germline): Uncertain significance (1 of 4 stars; one submission).

Submission:

GeneDx
Classification: Uncertain significance. Last evaluated: 2022-07-27. Review status: criteria provided, single submitter. Criteria: GeneDx Variant Classification Process June 2021. Collection method: clinical testing. Allele origin: germline. Affected: yes.
Comment: Not observed at significant frequency in large population cohorts (gnomAD); In silico analysis supports that this missense variant has a deleterious effect on protein structure/function; Has not been previously published as pathogenic or benign to our knowledge